The following is an entry in ClinVar:

NM_001348323.3(TRIP12):c.2381T>C (p.Val794Ala)

Gene: TRIP12 (thyroid hormone receptor interactor 12; minus strand). Cytogenetic location: 2q36.3.
Variant type: single nucleotide variant.
Coding change: c.2381T>C on transcript NM_001348323.3 (MANE Select); coding-DNA position 2381, T replaced by C.
Protein change: p.Val794Ala; replaces valine 794 with alanine.
Molecular consequence: missense variant.
Genome position (GRCh38, 1-based): chr2:229,807,823, A>G on the plus strand (T>C on the coding strand, the complement: TRIP12 is on the minus strand). VCF-style: chr2-229807823-A-G. GRCh37 (hg19) VCF-style: chr2-230672539-A-G.
Other names: c.2381T>C, p.Val794Ala (NM_001284214.2, NM_001348315.2, NM_001348319.1 and 11 more transcripts); c.2255T>C, p.Val752Ala (NM_001284215.2, NM_001348316.2, NM_001348317.1 and 2 more transcripts); c.1346T>C, p.Val449Ala (NM_001284216.2); c.2294T>C, p.Val765Ala (NM_001348332.1); c.2237T>C, p.Val746Ala (NM_004238.3); short protein forms V449A, V746A, V752A, V765A, V794A.
Identifiers: ClinVar variation 1804235 (VCV001804235.2), dbSNP rs2046252220, ClinGen allele CA350917263.
Genomic context (GRCh38, chr2:229,807,823, plus strand): 5'-CGCCACTGCCATATCGCACCATCTGTGTTCTGTGCATTTCCCTTCTTCAACATGGTATCA[A>G]CTGCAAAAATGCCTTCTTTTGGTAAACATGGCATAAGTTCACTGAAAACAAAAAGTACAA-3'
Protein context (NP_001335252.1, residues 784-804): PCLPKEGIFA[Val794Ala]DTMLKKGNAQ

ClinVar aggregate classification (germline): Uncertain significance (1 of 4 stars; one submission).

Allele frequency attached by ClinVar (database versions not stated): gnomAD 0.00001.
gnomAD v4.1: 1 of 1,614,058 alleles (0.000062%); highest among the groups gnomAD compares: Admixed American, 0.0017%; no homozygotes.

Submission:

GeneDx
Classification: Uncertain significance. Last evaluated: 2024-05-14. Review status: criteria provided, single submitter. Criteria: GeneDx Variant Classification Process June 2021. Collection method: clinical testing. Allele origin: germline.
Comment: Not observed at significant frequency in large population cohorts (gnomAD); In silico analysis supports that this missense variant has a deleterious effect on protein structure/function; Has not been previously published as pathogenic or benign to our knowledge